The following is an entry in ClinVar:

ClinVar aggregate classification (germline): Uncertain significance (1 of 4 stars; one submission).

Conditions:
Inborn genetic diseases. Identifiers: MedGen C0950123, MeSH D030342.

gnomAD v4.1: 17 of 1,613,902 alleles (0.0011%); highest among the groups gnomAD compares: Non-Finnish European, 0.0014%; no homozygotes.

Submission:

Ambry Genetics
Classification: Uncertain significance for Inborn genetic diseases. Last evaluated: 2025-10-23. Review status: criteria provided, single submitter. Criteria: Ambry Variant Classification Scheme 2023. Collection method: clinical testing. Allele origin: germline.
Comment: The c.167A>T (p.E56V) alteration is located in exon 3 (coding exon 2) of the OPTN gene. This alteration results from a A to T substitution at nucleotide position 167, causing the glutamic acid (E) at amino acid position 56 to be replaced by a valine (V). Based on data from gnomAD, the T allele has an overall frequency of <0.001% (1/250900) total alleles studied. The highest observed frequency was 0.001% (1/113530) of European (non-Finnish) alleles. Based on insufficient or conflicting evidence, the clinical significance of this alteration remains unclear.

NM_001008212.2(OPTN):c.167A>T (p.Glu56Val)

Genes: OPTN (optineurin; plus strand), LOC108903148 (10p13 OPTN distal Alu-mediated recombination region; plus strand). Cytogenetic location: 10p13.
Variant type: single nucleotide variant.
Coding change: c.167A>T on transcript NM_001008212.2 (MANE Select); coding-DNA position 167, A replaced by T.
Protein change: p.Glu56Val; replaces glutamic acid 56 with valine.
Molecular consequence: missense variant.
Genome position (GRCh38, 1-based): chr10:13,110,274, A>T. VCF-style: chr10-13110274-A-T. GRCh37 (hg19) VCF-style: chr10-13152274-A-T.
Other names: c.167A>T, p.Glu56Val (NM_001008211.1, NM_001008213.1, NM_021980.4); short protein forms E56V.
Identifiers: ClinVar variation 4626679 (VCV004626679.1).